The following is an entry in ClinVar:

NM_001940.4(ATN1):c.901C>T (p.Leu301=)

Gene: ATN1 (atrophin 1; plus strand). Cytogenetic location: 12p13.31.
Variant type: single nucleotide variant.
Coding change: c.901C>T on transcript NM_001940.4 (MANE Select); coding-DNA position 901, C replaced by T.
Protein change: p.Leu301=; no amino-acid change (leucine 301 retained).
Molecular consequence: synonymous variant.
Genome position (GRCh38, 1-based): chr12:6,936,168, C>T. VCF-style: chr12-6936168-C-T. GRCh37 (hg19) VCF-style: chr12-7045331-C-T.
Other names: c.901C>T, p.Leu301= (NM_001007026.2, NM_001424176.1, NM_001424177.1 and 1 more transcripts); c.898C>T, p.Leu300= (NM_001424179.1, NM_001424180.1, NM_001424182.1).
Identifiers: ClinVar variation 3778540 (VCV003778540.7).

ClinVar aggregate classification (germline): Likely benign (1 of 4 stars; one submission).

gnomAD v4.1: 2 of 1,542,180 alleles (0.00013%); highest among the groups gnomAD compares: Non-Finnish European, 0.00017%; no homozygotes.

Submission:

CeGaT Center for Human Genetics Tuebingen
Classification: Likely benign. Last evaluated: 2025-03-01. Review status: criteria provided, single submitter. Criteria: CeGaT Center For Human Genetics Tuebingen Variant Classification Criteria Version 2. Collection method: clinical testing. Allele origin: germline. Affected: yes. Observed: 1 variant allele.
Comment: ATN1: BP4, BP7